The following is an entry in ClinVar:

NM_022114.4(PRDM16):c.1874T>C (p.Leu625Pro)

Gene: PRDM16 (PR/SET domain 16; plus strand). Cytogenetic location: 1p36.32.
Variant type: single nucleotide variant.
Coding change: c.1874T>C on transcript NM_022114.4 (MANE Select); coding-DNA position 1874, T replaced by C.
Protein change: p.Leu625Pro; replaces leucine 625 with proline.
Molecular consequence: missense variant.
Genome position (GRCh38, 1-based): chr1:3,412,071, T>C. VCF-style: chr1-3412071-T-C. GRCh37 (hg19) VCF-style: chr1-3328635-T-C.
Other names: c.1874T>C (NM_022114.3); c.1874T>C, p.Leu625Pro (NM_199454.3); short protein forms L625P.
Identifiers: ClinVar variation 3718648 (VCV003718648.4).

ClinVar aggregate classification (germline): Uncertain significance. Review status: criteria provided, multiple submitters, no conflicts (2 of 4 stars). 3 submissions from 3 submitters: Uncertain significance (3). Last evaluated 2025-10-29.

Conditions:
Left ventricular noncompaction 8 (LVNC8). Identifiers: Orphanet 154, Orphanet 54260, MedGen C3809288, MONDO:0014152, OMIM 615373.
Inborn genetic diseases. Identifiers: MedGen C0950123, MeSH D030342.

gnomAD v4.1: 60 of 1,601,890 alleles (0.0037%); highest among the groups gnomAD compares: Non-Finnish European, 0.0049%; no homozygotes.

Submissions (3):

Women's Health and Genetics/Laboratory Corporation of America, LabCorp
Classification: Uncertain significance. Last evaluated: 2025-10-29. Review status: criteria provided, single submitter. Criteria: LabCorp Variant Classification Summary - May 2015. Collection method: clinical testing. Allele origin: germline.

Labcorp Genetics (formerly Invitae), Labcorp
Classification: Uncertain significance for Left ventricular noncompaction 8. Last evaluated: 2025-10-03. Review status: criteria provided, single submitter. Criteria: Invitae Variant Classification Sherloc (09022015). Collection method: clinical testing. Allele origin: germline.
Comment: This sequence change replaces leucine, which is neutral and non-polar, with proline, which is neutral and non-polar, at codon 625 of the PRDM16 protein (p.Leu625Pro). This variant is present in population databases (rs747255671, gnomAD 0.004%). This variant has not been reported in the literature in individuals affected with PRDM16-related conditions. ClinVar contains an entry for this variant (Variation ID: 3718648). An algorithm developed to predict the effect of missense changes on protein structure and function (PolyPhen-2) suggests that this variant is likely to be disruptive. In summary, the available evidence is currently insufficient to determine the role of this variant in disease. Therefore, it has been classified as a Variant of Uncertain Significance.

Ambry Genetics
Classification: Uncertain significance for Inborn genetic diseases. Last evaluated: 2025-04-17. Review status: criteria provided, single submitter. Criteria: Ambry Variant Classification Scheme 2023. Collection method: clinical testing. Allele origin: germline.